The following is an entry in ClinVar:

NM_001029998.6(SLC10A7):c.285del (p.Leu95fs)

Gene: SLC10A7 (solute carrier family 10 member 7; minus strand). Cytogenetic location: 4q31.22.
Variant type: Deletion.
Coding change: c.285del on transcript NM_001029998.6 (MANE Select); coding-DNA position 285, one base deleted (A; older notation c.285delA).
Protein change: p.Leu95fs; shifts the reading frame from leucine 95.
Molecular consequence: frameshift variant. On other transcripts: non-coding transcript variant (1), intron variant (1).
Genome position (GRCh38, 1-based): chr4:146,509,948, T deleted on the plus strand (A on the coding strand, the reverse complement: SLC10A7 is on the minus strand). VCF-style (leftmost placement, unchanged base first): chr4-146509947-AT-A. GRCh37 (hg19) VCF-style: chr4-147431099-AT-A.
Other names: c.285del, p.Leu95fs (NM_001300842.3, NM_001317816.2, NM_032128.5); c.184-6024del (NM_001317817.2); short protein forms L95fs.
Identifiers: ClinVar variation 4292902 (VCV004292902.1).

ClinVar aggregate classification (germline): Pathogenic (1 of 4 stars; one submission).

Conditions:
Short stature, amelogenesis imperfecta, and skeletal dysplasia with scoliosis. Identifiers: MedGen C5193055, MONDO:0032703, OMIM 618363.

Submission:

3billion
Classification: Pathogenic for Short stature, amelogenesis imperfecta, and skeletal dysplasia with scoliosis. Last evaluated: 2024-08-26. Review status: criteria provided, single submitter. Criteria: ACMG Guidelines, 2015. Collection method: clinical testing. Allele origin: germline. Affected: yes.
Comment: The variant is not observed in the gnomAD v4.0.0 dataset. Predicted Consequence/Location: Frameshift: predicted to result in a loss or disruption of normal protein function through nonsense-mediated decay (NMD) or protein truncation. Multiple pathogenic variants are reported downstream of the variant. Therefore, this variant is classified as Pathogenic according to the recommendation of ACMG/AMP guideline.